The following is an entry in ClinVar:

NM_014244.5(ADAMTS2):c.873G>C (p.Leu291=)

Gene: ADAMTS2 (ADAM metallopeptidase with thrombospondin type 1 motif 2; minus strand). Cytogenetic location: 5q35.3.
Variant type: single nucleotide variant.
Coding change: c.873G>C on transcript NM_014244.5 (MANE Select); coding-DNA position 873, G replaced by C.
Protein change: p.Leu291=; no amino-acid change (leucine 291 retained).
Molecular consequence: synonymous variant.
Genome position (GRCh38, 1-based): chr5:179,207,531, C>G on the plus strand (G>C on the coding strand, the complement: ADAMTS2 is on the minus strand). VCF-style: chr5-179207531-C-G. GRCh37 (hg19) VCF-style: chr5-178634532-C-G.
Other names: p.Leu291=; c.873G>C, p.Leu291= (NM_021599.4).
Identifiers: ClinVar variation 4684892 (VCV004684892.1).

ClinVar aggregate classification (germline): Likely benign (1 of 4 stars; one submission).

gnomAD v4.1: 1 of 1,593,136 alleles (0.000063%); highest among the groups gnomAD compares: Non-Finnish European, 0.000086%; no homozygotes.

Submission:

Mayo Clinic Laboratories, Mayo Clinic
Classification: Likely benign. Last evaluated: 2025-12-18. Review status: criteria provided, single submitter. Criteria: ACMG Guidelines, 2015. Collection method: clinical testing. Allele origin: germline. Observed: 1 variant allele.
Comment: BP4, BP7, PM2_supporting